The following is an entry in ClinVar:

ClinVar aggregate classification (germline): Uncertain significance (1 of 4 stars; one submission).

Conditions:
Landau-Kleffner syndrome (FESD). Also called: APHASIA, ACQUIRED, WITH EPILEPSY; EPILEPSY, FOCAL, WITH SPEECH DISORDER AND WITH OR WITHOUT MENTAL RETARDATION. Identifiers: Orphanet 1945, Orphanet 725, Orphanet 98818, MedGen C0282512, MONDO:0009509, OMIM 245570.

Submission:

Labcorp Genetics (formerly Invitae), Labcorp
Classification: Uncertain significance for Landau-Kleffner syndrome. Last evaluated: 2023-10-16. Review status: criteria provided, single submitter. Criteria: Invitae Variant Classification Sherloc (09022015). Collection method: clinical testing. Allele origin: germline.
Comment: This sequence change replaces isoleucine, which is neutral and non-polar, with valine, which is neutral and non-polar, at codon 184 of the GRIN2A protein (p.Ile184Val). This variant is not present in population databases (gnomAD no frequency). This variant has not been reported in the literature in individuals affected with GRIN2A-related conditions. Advanced modeling of protein sequence and biophysical properties (such as structural, functional, and spatial information, amino acid conservation, physicochemical variation, residue mobility, and thermodynamic stability) performed at Invitae indicates that this missense variant is not expected to disrupt GRIN2A protein function. In summary, the available evidence is currently insufficient to determine the role of this variant in disease. Therefore, it has been classified as a Variant of Uncertain Significance.

NM_001134407.3(GRIN2A):c.550A>G (p.Ile184Val)

Gene: GRIN2A (glutamate ionotropic receptor NMDA type subunit 2A; minus strand). Cytogenetic location: 16p13.2.
Variant type: single nucleotide variant.
Coding change: c.550A>G on transcript NM_001134407.3 (MANE Select); coding-DNA position 550, A replaced by G.
Protein change: p.Ile184Val; replaces isoleucine 184 with valine.
Molecular consequence: missense variant.
Genome position (GRCh38, 1-based): chr16:9,938,416, T>C on the plus strand (A>G on the coding strand, the complement: GRIN2A is on the minus strand). VCF-style: chr16-9938416-T-C. GRCh37 (hg19) VCF-style: chr16-10032273-T-C.
Other names: c.550A>G, p.Ile184Val (NM_000833.5, NM_001134408.2); short protein forms I184V.
Identifiers: ClinVar variation 2736514 (VCV002736514.3), dbSNP rs2543142859, ClinGen allele CA394799041.